The following is an entry in ClinVar:

ClinVar aggregate classification (germline): Uncertain significance (1 of 4 stars; one submission).

Conditions:
Autosomal recessive mendelian susceptibility to mycobacterial diseases due to complete RORgamma receptor deficiency. Also called: Immunodeficiency 42. Identifiers: Orphanet 477857, MedGen C5567647, MONDO:0014710, OMIM 616622.

Allele frequency attached by ClinVar (database versions not stated): ExAC 0.00002.

Submission:

Labcorp Genetics (formerly Invitae), Labcorp
Classification: Uncertain significance for Autosomal recessive mendelian susceptibility to mycobacterial diseases due to complete RORgamma receptor deficiency. Last evaluated: 2022-06-17. Review status: criteria provided, single submitter. Criteria: Invitae Variant Classification Sherloc (09022015). Collection method: clinical testing. Allele origin: germline.
Comment: This variant is present in population databases (rs201282761, gnomAD 0.002%). In summary, the available evidence is currently insufficient to determine the role of this variant in disease. Therefore, it has been classified as a Variant of Uncertain Significance. Algorithms developed to predict the effect of sequence changes on RNA splicing suggest that this variant is not likely to affect RNA splicing. This variant has not been reported in the literature in individuals affected with RORC-related conditions. This sequence change affects codon 13 of the RORC mRNA. It is a 'silent' change, meaning that it does not change the encoded amino acid sequence of the RORC protein. It affects a nucleotide within the consensus splice site.

NM_005060.4(RORC):c.39G>T (p.Arg13=)

Gene: RORC (RAR related orphan receptor C; minus strand). Cytogenetic location: 1q21.3.
Variant type: single nucleotide variant.
Coding change: c.39G>T on transcript NM_005060.4 (MANE Select); coding-DNA position 39, G replaced by T.
Protein change: p.Arg13=; no amino-acid change (arginine 13 retained).
Molecular consequence: synonymous variant.
Genome position (GRCh38, 1-based): chr1:151,831,726, C>A on the plus strand (G>T on the coding strand, the complement: RORC is on the minus strand). VCF-style: chr1-151831726-C-A. GRCh37 (hg19) VCF-style: chr1-151804202-C-A.
Identifiers: ClinVar variation 2007466 (VCV002007466.4), dbSNP rs201282761, ClinGen allele CA1096074.
Genomic context (GRCh38, chr1:151,831,726, plus strand): 5'-CCCTCCTCTGAACCTCCAGCAGTCTCTTCCACCTGCAGGCAGGGCCATGGGCCTCTTACC[C>A]CGTGAGGCTCGGTGCTGTCTCTGTGGGGCCCTGTCCATGGGGCAGCTCCCTTGGTGCCGT-3'
Protein context (NP_005051.2, residues 3-23): RAPQRQHRAS[Arg13=]ELLAAKKTHT